The following is an entry in ClinVar:

ClinVar aggregate classification (germline): Likely benign (1 of 4 stars; one submission).

Allele frequency attached by ClinVar (database versions not stated): 1000 Genomes Project 30x 0.00172; 1000 Genomes Project 0.00200; gnomAD 0.00261; ExAC 0.00282; TOPMed 0.00286; ESP Exome Variant Server 0.00308; gnomAD exomes 0.00426.
gnomAD v4.1: 6,580 of 1,612,614 alleles (0.41%); highest among the groups gnomAD compares: Non-Finnish European, 0.52%; 18 homozygotes.

Submission:

CeGaT Center for Human Genetics Tuebingen
Classification: Likely benign. Last evaluated: 2026-08-01. Review status: criteria provided, single submitter. Criteria: CeGaT Center For Human Genetics Tuebingen Variant Classification Criteria Version 2. Collection method: clinical testing. Allele origin: germline. Affected: yes. Observed: 9 variant alleles.
Comment: GNB2: BP4, BS2

NM_005273.4(GNB2):c.497+3G>A

Gene: GNB2 (G protein subunit beta 2; plus strand). Cytogenetic location: 7q22.1.
Variant type: single nucleotide variant.
Coding change: c.497+3G>A on transcript NM_005273.4 (MANE Select); 3 bases into the intron after coding-DNA position 497, G replaced by A.
Molecular consequence: intron variant.
Genome position (GRCh38, 1-based): chr7:100,677,821, G>A. VCF-style: chr7-100677821-G-A. GRCh37 (hg19) VCF-style: chr7-100275444-G-A.
Identifiers: ClinVar variation 2657757 (VCV002657757.24), dbSNP rs62482253, ClinGen allele CA4387597.
Genomic context (GRCh38, chr7:100,677,821, plus strand): 5'-CGTGTTGCCGCTTCCTGGATGACAACCAAATCATCACCAGCTCTGGGGATACCACCTGGT[G>A]AGGCTCTGCCAGGGCTGGGCAGTCTGGGCAAACCCACACTTCCTGCCTCAGGGGCCACCG-3'